The following is an entry in ClinVar:

ClinVar aggregate classification (germline): Uncertain significance (1 of 4 stars; one submission).

Submission:

Labcorp Genetics (formerly Invitae), Labcorp
Classification: Uncertain significance. Last evaluated: 2024-10-03. Review status: criteria provided, single submitter. Criteria: Invitae Variant Classification Sherloc (09022015). Collection method: clinical testing. Allele origin: germline.
Comment: This sequence change replaces phenylalanine, which is neutral and non-polar, with leucine, which is neutral and non-polar, at codon 2612 of the FAT4 protein (p.Phe2612Leu). This variant is not present in population databases (gnomAD no frequency). This variant has not been reported in the literature in individuals affected with FAT4-related conditions. Invitae Evidence Modeling of protein sequence and biophysical properties (such as structural, functional, and spatial information, amino acid conservation, physicochemical variation, residue mobility, and thermodynamic stability) indicates that this missense variant is not expected to disrupt FAT4 protein function with a negative predictive value of 80%. In summary, the available evidence is currently insufficient to determine the role of this variant in disease. Therefore, it has been classified as a Variant of Uncertain Significance.

NM_001291303.3(FAT4):c.7842C>G (p.Phe2614Leu)

Gene: FAT4 (FAT atypical cadherin 4; plus strand). Cytogenetic location: 4q28.1.
Variant type: single nucleotide variant.
Coding change: c.7842C>G on transcript NM_001291303.3 (MANE Select); coding-DNA position 7842, C replaced by G.
Protein change: p.Phe2614Leu; replaces phenylalanine 2614 with leucine.
Molecular consequence: missense variant.
Genome position (GRCh38, 1-based): chr4:125,448,852, C>G. VCF-style: chr4-125448852-C-G. GRCh37 (hg19) VCF-style: chr4-126370007-C-G.
Other names: c.7836C>G, p.Phe2612Leu (NM_024582.6); c.7842C>G, p.Phe2614Leu (NM_001291285.3); short protein forms F2612L, F2614L.
Identifiers: ClinVar variation 3665683 (VCV003665683.2).